The following is an entry in ClinVar:

NM_000268.4(NF2):c.1217A>G (p.Glu406Gly)

Gene: NF2 (NF2, moesin-ezrin-radixin like (MERLIN) tumor suppressor; plus strand). Cytogenetic location: 22q12.2.
Variant type: single nucleotide variant.
Coding change: c.1217A>G on transcript NM_000268.4 (MANE Select); coding-DNA position 1217, A replaced by G.
Protein change: p.Glu406Gly; replaces glutamic acid 406 with glycine.
Molecular consequence: missense variant. On other transcripts: intron variant (1).
Genome position (GRCh38, 1-based): chr22:29,673,363, A>G. VCF-style: chr22-29673363-A-G. GRCh37 (hg19) VCF-style: chr22-30069352-A-G.
Other names: c.1103A>G, p.Glu368Gly (NM_001407053.1, NM_001407056.1); c.1094A>G, p.Glu365Gly (NM_001407054.1, NM_001407058.1, NM_181829.3); c.1091A>G, p.Glu364Gly (NM_001407055.1, NM_181828.3); c.1082A>G, p.Glu361Gly (NM_001407057.1, NM_001407059.1); c.1217A>G, p.Glu406Gly (NM_001407060.1, NM_001407066.1, NM_016418.5 and 2 more transcripts); c.959A>G, p.Glu320Gly (NM_001407062.1); c.968A>G, p.Glu323Gly (NM_001407063.1, NM_001407064.1, NM_181830.3 and 1 more transcripts); c.683A>G, p.Glu228Gly (NM_001407065.1); and 2 more; short protein forms E364G, E368G, E406G, E329G, E361G, E365G, E228G, E323G.
Identifiers: ClinVar variation 4744453 (VCV004744453.1).

ClinVar aggregate classification (germline): Uncertain significance (1 of 4 stars; one submission).

Conditions:
Neurofibromatosis, type 2 (SWNV). Also called: BILATERAL ACOUSTIC NEUROFIBROMATOSIS; NF2-Related Schwannomatosis; SCHWANNOMATOSIS, VESTIBULAR. Identifiers: Orphanet 637, MedGen C0027832, MONDO:0007039, OMIM 101000. Disease mechanism: loss of function.

Submission:

Labcorp Genetics (formerly Invitae), Labcorp
Classification: Uncertain significance for Neurofibromatosis, type 2. Last evaluated: 2025-11-18. Review status: criteria provided, single submitter. Criteria: Invitae Variant Classification Sherloc (09022015). Collection method: clinical testing. Allele origin: germline.
Comment: This sequence change replaces glutamic acid, which is acidic and polar, with glycine, which is neutral and non-polar, at codon 406 of the NF2 protein (p.Glu406Gly). This variant is not present in population databases (gnomAD no frequency). This variant has not been reported in the literature in individuals affected with NF2-related conditions. Invitae Evidence Modeling of protein sequence and biophysical properties (such as structural, functional, and spatial information, amino acid conservation, physicochemical variation, residue mobility, and thermodynamic stability) indicates that this missense variant is expected to disrupt NF2 protein function with a positive predictive value of 80%. In summary, the available evidence is currently insufficient to determine the role of this variant in disease. Therefore, it has been classified as a Variant of Uncertain Significance.